The following is an entry in ClinVar:

ClinVar aggregate classification (germline): Uncertain significance (1 of 4 stars; one submission).

Conditions:
T-cell immunodeficiency, congenital alopecia, and nail dystrophy. Also called: Congenital alopecia and nail dystrophy associated with severe functional T-cell immunodeficiency; Pignata Guarino syndrome. Identifiers: Orphanet 169095, MedGen C1866426, MONDO:0011132, OMIM 601705.

Submission:

Labcorp Genetics (formerly Invitae), Labcorp
Classification: Uncertain significance for T-cell immunodeficiency, congenital alopecia, and nail dystrophy. Last evaluated: 2025-09-06. Review status: criteria provided, single submitter. Criteria: Invitae Variant Classification Sherloc (09022015). Collection method: clinical testing. Allele origin: germline.
Comment: This sequence change creates a premature translational stop signal (p.Tyr637*) in the FOXN1 gene. While this is not anticipated to result in nonsense mediated decay, it is expected to disrupt the last 12 amino acid(s) of the FOXN1 protein. This variant is not present in population databases (gnomAD no frequency). This variant has not been reported in the literature in individuals affected with FOXN1-related conditions. Algorithms developed to predict the effect of variants on gene product structure and function are not available or were not evaluated for this variant. Experimental studies are conflicting or provide insufficient evidence to determine the effect of this variant on FOXN1 function (PMID: 37419334). In summary, the available evidence is currently insufficient to determine the role of this variant in disease. Therefore, it has been classified as a Variant of Uncertain Significance.

Literature cited by the submitters: PubMed 37419334.

NM_001369369.1(FOXN1):c.1910_1911insG (p.Tyr637Ter)

Gene: FOXN1 (forkhead box N1; plus strand). Cytogenetic location: 17q11.2.
Variant type: Insertion.
Coding change: c.1910_1911insG on transcript NM_001369369.1 (MANE Select); coding-DNA positions 1910 to 1911, G inserted.
Protein change: p.Tyr637Ter; replaces tyrosine 637 with a stop codon.
Molecular consequence: nonsense.
Genome position: GRCh38 VCF-style: chr17-28537399-A-AG. GRCh37 (hg19) VCF-style: chr17-26864417-A-AG.
Other names: c.1910_1911insG, p.Tyr637Ter (NM_003593.3); short protein forms Y637*.
Identifiers: ClinVar variation 4697581 (VCV004697581.1).